The following is an entry in ClinVar:

NM_052947.4(ALPK2):c.1578G>C (p.Trp526Cys)

Gene: ALPK2 (alpha kinase 2; minus strand). Cytogenetic location: 18q21.31.
Variant type: single nucleotide variant.
Coding change: c.1578G>C on transcript NM_052947.4 (MANE Select); coding-DNA position 1578, G replaced by C.
Protein change: p.Trp526Cys; replaces tryptophan 526 with cysteine.
Molecular consequence: missense variant.
Genome position (GRCh38, 1-based): chr18:58,579,198, C>G on the plus strand (G>C on the coding strand, the complement: ALPK2 is on the minus strand). VCF-style: chr18-58579198-C-G. GRCh37 (hg19) VCF-style: chr18-56246430-C-G.
Other names: short protein forms W526C.
Identifiers: ClinVar variation 1775628 (VCV001775628.2), dbSNP rs2518898814, ClinGen allele CA402561932.

ClinVar aggregate classification (germline): Uncertain significance (1 of 4 stars; one submission).

Submission:

Ambry Genetics
Classification: Uncertain significance. Last evaluated: 2022-02-02. Review status: criteria provided, single submitter. Criteria: Ambry Variant Classification Scheme 2023. Collection method: clinical testing. Allele origin: germline.
Comment: The p.W526C variant (also known as c.1578G>C), located in coding exon 3 of the ALPK2 gene, results from a G to C substitution at nucleotide position 1578. The tryptophan at codon 526 is replaced by cysteine, an amino acid with highly dissimilar properties. This amino acid position is conserved. In addition, this alteration is predicted to be tolerated by in silico analysis. Since supporting evidence is limited at this time, the clinical significance of this alteration remains unclear.